The following is an entry in ClinVar:

NM_001148.6(ANK2):c.5230G>A (p.Ala1744Thr)

Genes: ANK2 (ankyrin 2; plus strand), LOC126807136 (MED14-independent group 3 enhancer GRCh37_chr4:114274931-114276130; plus strand). Cytogenetic location: 4q26.
Variant type: single nucleotide variant.
Coding change: c.5230G>A on transcript NM_001148.6 (MANE Select); coding-DNA position 5230, G replaced by A.
Protein change: p.Ala1744Thr; replaces alanine 1744 with threonine.
Molecular consequence: missense variant. On other transcripts: intron variant (68).
Genome position (GRCh38, 1-based): chr4:113,353,848, G>A. VCF-style: chr4-113353848-G-A. GRCh37 (hg19) VCF-style: chr4-114275004-G-A.
Other names: c.4996G>A, p.Ala1666Thr (NM_001386142.1); c.1630G>A, p.Ala544Thr (NM_001386166.1); c.5371G>A, p.Ala1791Thr (NM_001386174.1); c.5347G>A, p.Ala1783Thr (NM_001386175.1); c.4411+3599G>A (NM_001386186.2, NM_001386148.2); c.4213+3599G>A (NM_001354269.3); c.4291+3599G>A (NM_001386187.2); c.4252+3599G>A (NM_001386147.1); and 35 more; short protein forms A1744T, A1666T, A1783T, A1791T, A544T.
Identifiers: ClinVar variation 522004 (VCV000522004.10), dbSNP rs924439034, ClinGen allele CA103812098.
Genomic context (GRCh38, chr4:113,353,848, plus strand): 5'-GAGAAAGCTGAACTTAAAAAAGGTAGTTCAGAAGAGTCATTAGGTGAAGACCCAGGTTTA[G>A]CCCCTGAACCCCTTCCCACTGTCAAGGCCACATCTCCTTTGATAGAAGAAACTCCCATTG-3'
Protein context (NP_001139.3, residues 1734-1754): EESLGEDPGL[Ala1744Thr]PEPLPTVKAT

ClinVar aggregate classification (germline): Uncertain significance. Review status: criteria provided, multiple submitters, no conflicts (2 of 4 stars). 2 submissions from 2 submitters: Uncertain significance (2). Last evaluated 2024-06-04.

Conditions:
Cardiovascular phenotype. Identifiers: MedGen CN230736.
Long QT syndrome (LQTS). Identifiers: MedGen C0023976, MeSH D008133, MONDO:0002442. Disease mechanism: loss of function. Inheritance: Various modes of inheritance.

Allele frequency attached by ClinVar (database versions not stated): gnomAD exomes below 0.00001; gnomAD 0.00001; TOPMed 0.00004.
gnomAD v4.1: 9 of 1,613,834 alleles (0.00056%); highest among the groups gnomAD compares: Admixed American, 0.005%; no homozygotes.

Submissions (2):

Labcorp Genetics (formerly Invitae), Labcorp
Classification: Uncertain significance for Long QT syndrome. Last evaluated: 2024-06-04. Review status: criteria provided, single submitter. Criteria: Invitae Variant Classification Sherloc (09022015). Collection method: clinical testing. Allele origin: germline.
Comment: This sequence change replaces alanine, which is neutral and non-polar, with threonine, which is neutral and polar, at codon 1744 of the ANK2 protein (p.Ala1744Thr). This variant is present in population databases (no rsID available, gnomAD 0.006%). This variant has not been reported in the literature in individuals affected with ANK2-related conditions. ClinVar contains an entry for this variant (Variation ID: 522004). Algorithms developed to predict the effect of missense changes on protein structure and function output the following: SIFT: "Not Available"; PolyPhen-2: "Benign"; Align-GVGD: "Not Available". The threonine amino acid residue is found in multiple mammalian species, which suggests that this missense change does not adversely affect protein function. In summary, the available evidence is currently insufficient to determine the role of this variant in disease. Therefore, it has been classified as a Variant of Uncertain Significance.

Ambry Genetics
Classification: Uncertain significance for Cardiovascular phenotype. Last evaluated: 2024-03-11. Review status: criteria provided, single submitter. Criteria: Ambry Variant Classification Scheme 2023. Collection method: clinical testing. Allele origin: germline.
Comment: The p.A1744T variant (also known as c.5230G>A), located in coding exon 38 of the ANK2 gene, results from a G to A substitution at nucleotide position 5230. The alanine at codon 1744 is replaced by threonine, an amino acid with similar properties. This amino acid position is conserved. In addition, this alteration is predicted to be tolerated by in silico analysis. Based on the available evidence, the clinical significance of this alteration remains unclear.